The following is an entry in ClinVar:

ClinVar aggregate classification (germline): Uncertain significance (1 of 4 stars; one submission).

gnomAD v4.1: 2 of 1,613,602 alleles (0.00012%); highest among the groups gnomAD compares: South Asian, 0.0022%; no homozygotes.

Submission:

Labcorp Genetics (formerly Invitae), Labcorp
Classification: Uncertain significance. Last evaluated: 2023-07-17. Review status: criteria provided, single submitter. Criteria: Invitae Variant Classification Sherloc (09022015). Collection method: clinical testing. Allele origin: germline.
Comment: In summary, the available evidence is currently insufficient to determine the role of this variant in disease. Therefore, it has been classified as a Variant of Uncertain Significance. Advanced modeling of protein sequence and biophysical properties (such as structural, functional, and spatial information, amino acid conservation, physicochemical variation, residue mobility, and thermodynamic stability) performed at Invitae indicates that this missense variant is expected to disrupt ATP2B4 protein function. ClinVar contains an entry for this variant (Variation ID: 1967701). This variant has not been reported in the literature in individuals affected with ATP2B4-related conditions. This variant is present in population databases (rs142206068, gnomAD 0.003%). This sequence change replaces glycine, which is neutral and non-polar, with glutamic acid, which is acidic and polar, at codon 288 of the ATP2B4 protein (p.Gly288Glu).

NM_001684.5(ATP2B4):c.863G>A (p.Gly288Glu)

Gene: ATP2B4 (ATPase plasma membrane Ca2+ transporting 4; plus strand). Cytogenetic location: 1q32.1.
Variant type: single nucleotide variant.
Coding change: c.863G>A on transcript NM_001684.5 (MANE Select); coding-DNA position 863, G replaced by A.
Protein change: p.Gly288Glu; replaces glycine 288 with glutamic acid.
Molecular consequence: missense variant.
Genome position (GRCh38, 1-based): chr1:203,700,885, G>A. VCF-style: chr1-203700885-G-A. GRCh37 (hg19) VCF-style: chr1-203670013-G-A.
Other names: c.863G>A, p.Gly288Glu (NM_001001396.3, NM_001365783.2, NM_001365784.2); short protein forms G288E.
Identifiers: ClinVar variation 1967701 (VCV001967701.5), dbSNP rs142206068, ClinGen allele CA1341463.